The following is an entry in ClinVar:

ClinVar aggregate classification (germline): Likely benign. Review status: criteria provided, multiple submitters, no conflicts (2 of 4 stars). 3 submissions from 3 submitters: Likely benign (3). Last evaluated 2025-04-08.

Allele frequency attached by ClinVar (database versions not stated): gnomAD 0.00001 and 0.00002; gnomAD exomes 0.00003 and 0.00004; TOPMed 0.00003; ExAC 0.00005.
gnomAD v4.1: 55 of 1,613,836 alleles (0.0034%); highest among the groups gnomAD compares: Middle Eastern, 0.016%; no homozygotes.

Submissions (3):

Labcorp Genetics (formerly Invitae), Labcorp
Classification: Likely benign. Last evaluated: 2025-04-08. Review status: criteria provided, single submitter. Criteria: Invitae Variant Classification Sherloc (09022015). Collection method: clinical testing. Allele origin: germline.

Athena Diagnostics
Classification: Likely benign. Last evaluated: 2019-08-05. Review status: criteria provided, single submitter. Criteria: Athena Diagnostics Criteria. Collection method: clinical testing. Allele origin: germline.

Laboratory for Molecular Medicine, Mass General Brigham Personalized Medicine
Classification: Likely benign. Last evaluated: 2013-04-17. Review status: criteria provided, single submitter. Criteria: LMM Criteria. Collection method: clinical testing. Allele origin: germline. Observed: 1 variant allele.
Comment: p.Asp1546Asp in exon 33 of MYH9: This variant is not expected to have clinical s ignificance because it does not alter an amino acid residue and is not located w ithin the splice consensus sequence. This variant has been identified in 6/1213 88 chromosomes from multiple populations by the Exome Aggregation Consortium.

NM_002473.6(MYH9):c.4638C>T (p.Asp1546=)

Gene: MYH9 (myosin heavy chain 9; minus strand). Cytogenetic location: 22q12.3.
Variant type: single nucleotide variant.
Coding change: c.4638C>T on transcript NM_002473.6 (MANE Select); coding-DNA position 4638, C replaced by T.
Protein change: p.Asp1546=; no amino-acid change (aspartic acid 1546 retained).
Molecular consequence: synonymous variant.
Genome position (GRCh38, 1-based): chr22:36,288,859, G>A on the plus strand (C>T on the coding strand, the complement: MYH9 is on the minus strand). VCF-style: chr22-36288859-G-A. GRCh37 (hg19) VCF-style: chr22-36684905-G-A.
Identifiers: ClinVar variation 164430 (VCV000164430.12), dbSNP rs727503283, ClinGen allele CA177075.